The following is an entry in ClinVar:

ClinVar aggregate classification (germline): Pathogenic. Review status: criteria provided, multiple submitters, no conflicts (2 of 4 stars). 2 submissions from 2 submitters: Pathogenic (2). Last evaluated 2025-02-18.

Conditions:
Hermansky-Pudlak syndrome 3 (HPS3). Identifiers: Orphanet 231512, Orphanet 79430, MedGen C3888001, MONDO:0013555, OMIM 614072.

Submissions (2):

Myriad Genetics, Inc.
Classification: Pathogenic for Hermansky-Pudlak syndrome 3. Last evaluated: 2025-02-18. Review status: criteria provided, single submitter. Criteria: Myriad Autosomal Dominant, Autosomal Recessive and X-Linked Classification Criteria (2023). Collection method: clinical testing. Allele origin: unknown.
Comment: NM_032383.3(HPS3):c.2736dupA(E913Rfs*12) is expected to be pathogenic in the context of Hermansky-Pudlak syndrome, HPS3-related. This variant is predicted to lead to an abnormal or absent protein product due to the creation of a premature termination codon in HPS3, a gene where loss-of-function variants are known to be pathogenic. Please note: this variant was assessed in the context of healthy population screening.

Labcorp Genetics (formerly Invitae), Labcorp
Classification: Pathogenic. Last evaluated: 2020-12-14. Review status: criteria provided, single submitter. Criteria: Invitae Variant Classification Sherloc (09022015). Collection method: clinical testing. Allele origin: germline.
Comment: This sequence change creates a premature translational stop signal (p.Glu913Argfs*12) in the HPS3 gene. It is expected to result in an absent or disrupted protein product. Loss-of-function variants in HPS3 are known to be pathogenic (PMID: 11590544). This variant is not present in population databases (ExAC no frequency). This variant has not been reported in the literature in individuals with HPS3-related conditions. For these reasons, this variant has been classified as Pathogenic.

Literature cited by the submitters: PubMed 11590544 (cited by Labcorp Genetics (formerly Invitae), Labcorp).

NM_032383.5(HPS3):c.2736dup (p.Glu913fs)

Genes: CP (ceruloplasmin; minus strand), HPS3 (HPS3 biogenesis of lysosomal organelles complex 2 subunit 1; plus strand). Cytogenetic location: 3q24.
Variant type: Duplication.
Coding change: c.2736dup on transcript NM_032383.5 (MANE Select); coding-DNA position 2736, one base duplicated (A; older notation c.2736dupA).
Protein change: p.Glu913fs; shifts the reading frame from glutamic acid 913.
Molecular consequence: frameshift variant.
Genome position (GRCh38, 1-based): chr3:149,167,180, A duplicated. VCF-style (leftmost placement, unchanged base first): chr3-149167179-T-TA. GRCh37 (hg19) VCF-style: chr3-148884966-T-TA.
Other names: c.2241dup, p.Glu748fs (NM_001308258.2); short protein forms E913fs, E748fs.
Identifiers: ClinVar variation 1449523 (VCV001449523.7), dbSNP rs2108184492, ClinGen allele CA2573136587.